The following is an entry in ClinVar:

NM_006231.4(POLE):c.5743C>A (p.Leu1915Ile)

Gene: POLE (DNA polymerase epsilon, catalytic subunit; minus strand). Cytogenetic location: 12q24.33.
Variant type: single nucleotide variant.
Coding change: c.5743C>A on transcript NM_006231.4 (MANE Select); coding-DNA position 5743, C replaced by A.
Protein change: p.Leu1915Ile; replaces leucine 1915 with isoleucine.
Molecular consequence: missense variant.
Genome position (GRCh38, 1-based): chr12:132,635,960, G>T on the plus strand (C>A on the coding strand, the complement: POLE is on the minus strand). VCF-style: chr12-132635960-G-T. GRCh37 (hg19) VCF-style: chr12-133212546-G-T.
Other names: short protein forms L1915I.
Identifiers: ClinVar variation 1749397 (VCV001749397.2), dbSNP rs2138486054, ClinGen allele CA387373052.

ClinVar aggregate classification (germline): Uncertain significance (1 of 4 stars; one submission).

Conditions:
Hereditary cancer-predisposing syndrome. Also called: Hereditary Cancer Syndrome; Hereditary neoplastic syndrome; Neoplastic Syndromes, Hereditary; Tumor predisposition. Identifiers: Orphanet 140162, MedGen C0027672, MeSH D009386, MONDO:0015356.

Submission:

Ambry Genetics
Classification: Uncertain significance for Hereditary cancer-predisposing syndrome. Last evaluated: 2022-01-15. Review status: criteria provided, single submitter. Criteria: Ambry Variant Classification Scheme 2023. Collection method: clinical testing. Allele origin: germline.
Comment: The p.L1915I variant (also known as c.5743C>A), located in coding exon 42 of the POLE gene, results from a C to A substitution at nucleotide position 5743. The leucine at codon 1915 is replaced by isoleucine, an amino acid with highly similar properties. This amino acid position is conserved. In addition, this alteration is predicted to be tolerated by in silico analysis. Since supporting evidence is limited at this time, the clinical significance of this alteration remains unclear.